The following is an entry in ClinVar:

ClinVar aggregate classification (germline): Uncertain significance. Review status: criteria provided, multiple submitters, no conflicts (2 of 4 stars). 2 submissions from 2 submitters: Uncertain significance (2). Last evaluated 2023-05-05.

Conditions:
Inborn genetic diseases. Identifiers: MedGen C0950123, MeSH D030342.

gnomAD v4.1: 2 of 1,614,190 alleles (0.00012%); highest among the groups gnomAD compares: South Asian, 0.0022%; no homozygotes.

Submissions (2):

Ambry Genetics
Classification: Uncertain significance for Inborn genetic diseases. Last evaluated: 2023-05-05. Review status: criteria provided, single submitter. Criteria: Ambry Variant Classification Scheme 2023. Collection method: clinical testing. Allele origin: germline.

Labcorp Genetics (formerly Invitae), Labcorp
Classification: Uncertain significance. Last evaluated: 2022-08-10. Review status: criteria provided, single submitter. Criteria: Invitae Variant Classification Sherloc (09022015). Collection method: clinical testing. Allele origin: germline.
Comment: In summary, the available evidence is currently insufficient to determine the role of this variant in disease. Therefore, it has been classified as a Variant of Uncertain Significance. Algorithms developed to predict the effect of missense changes on protein structure and function are either unavailable or do not agree on the potential impact of this missense change (SIFT: "Deleterious"; PolyPhen-2: "Probably Damaging"; Align-GVGD: "Class C15"). ClinVar contains an entry for this variant (Variation ID: 1026792). This variant has not been reported in the literature in individuals affected with CNGA1-related conditions. This variant is not present in population databases (gnomAD no frequency). This sequence change replaces aspartic acid, which is acidic and polar, with tyrosine, which is neutral and polar, at codon 635 of the CNGA1 protein (p.Asp635Tyr).

NM_001379270.1(CNGA1):c.1891G>T (p.Asp631Tyr)

Genes: CNGA1 (cyclic nucleotide gated channel subunit alpha 1; minus strand), LOC101927157 (uncharacterized LOC101927157; plus strand). Cytogenetic location: 4p12.
Variant type: single nucleotide variant.
Coding change: c.1891G>T on transcript NM_001379270.1 (MANE Select); coding-DNA position 1891, G replaced by T.
Protein change: p.Asp631Tyr; replaces aspartic acid 631 with tyrosine.
Molecular consequence: missense variant.
Genome position (GRCh38, 1-based): chr4:47,936,591, C>A on the plus strand (G>T on the coding strand, the complement: CNGA1 is on the minus strand). VCF-style: chr4-47936591-C-A. GRCh37 (hg19) VCF-style: chr4-47938608-C-A.
Other names: c.1891G>T, p.Asp631Tyr (NM_000087.5, NM_001142564.2); c.1903G>T (NM_000087.3); short protein forms D631Y.
Identifiers: ClinVar variation 1026792 (VCV001026792.10), dbSNP rs1738655838, ClinGen allele CA356823250.